The following is an entry in ClinVar:

ClinVar aggregate classification (germline): Uncertain significance. Review status: criteria provided, multiple submitters, no conflicts (2 of 4 stars). 3 submissions from 3 submitters: Uncertain significance (3). Last evaluated 2025-07-17.

Conditions:
Familial adenomatous polyposis 2. Also called: FAP type 2; MUTYH Polyposis; COLORECTAL ADENOMATOUS POLYPOSIS, AUTOSOMAL RECESSIVE; ADENOMAS, MULTIPLE COLORECTAL, AUTOSOMAL RECESSIVE; MUTYH-associated polyposis; MUTYH-related attenuated familial adenomatous polyposis. Identifiers: Orphanet 220460, Orphanet 247798, MedGen C3272841, MONDO:0012041, OMIM 608456.
Hereditary cancer-predisposing syndrome. Also called: Tumor predisposition; Hereditary Cancer Syndrome; Hereditary neoplastic syndrome; Neoplastic Syndromes, Hereditary. Identifiers: Orphanet 140162, MedGen C0027672, MeSH D009386, MONDO:0015356.

Submissions (3):

Color Diagnostics, LLC DBA Color Health
Classification: Uncertain significance for Hereditary cancer-predisposing syndrome. Last evaluated: 2025-07-17. Review status: criteria provided, single submitter. Criteria: ACMG Guidelines, 2015. Collection method: clinical testing. Allele origin: germline.
Comment: This missense variant replaces glutamic acid with aspartic acid at codon 403 of the MUTYH protein. Computational prediction suggests that this variant may have deleterious impact on protein structure and function. To our knowledge, functional studies have not been reported for this variant. This variant has not been reported in individuals affected with MUTYH-related disorders in the literature. This variant has not been identified in the general population by the Genome Aggregation Database (gnomAD). The available evidence is insufficient to determine the role of this variant in disease conclusively. Therefore, this variant is classified as a Variant of Uncertain Significance.

Labcorp Genetics (formerly Invitae), Labcorp
Classification: Uncertain significance for Familial adenomatous polyposis 2. Last evaluated: 2021-10-21. Review status: criteria provided, single submitter. Criteria: Invitae Variant Classification Sherloc (09022015). Collection method: clinical testing. Allele origin: germline.
Comment: This sequence change replaces glutamic acid with aspartic acid at codon 403 of the MUTYH protein (p.Glu403Asp). The glutamic acid residue is highly conserved and there is a small physicochemical difference between glutamic acid and aspartic acid. In summary, the available evidence is currently insufficient to determine the role of this variant in disease. Therefore, it has been classified as a Variant of Uncertain Significance. Algorithms developed to predict the effect of missense changes on protein structure and function are either unavailable or do not agree on the potential impact of this missense change (SIFT: "Tolerated"; PolyPhen-2: "Possibly Damaging"; Align-GVGD: "Class C0"). This variant has not been reported in the literature in individuals with MUTYH-related conditions. ClinVar contains an entry for this variant (Variation ID: 818576). This variant is not present in population databases (ExAC no frequency).

Ambry Genetics
Classification: Uncertain significance for Hereditary cancer-predisposing syndrome. Last evaluated: 2018-03-15. Review status: criteria provided, single submitter. Criteria: Ambry Variant Classification Scheme 2023. Collection method: clinical testing. Allele origin: germline.
Comment: The p.E403D variant (also known as c.1209G>T), located in coding exon 13 of the MUTYH gene, results from a G to T substitution at nucleotide position 1209. The glutamic acid at codon 403 is replaced by aspartic acid, an amino acid with highly similar properties. This amino acid position is highly conserved in available vertebrate species. In addition, this alteration is predicted to be deleterious by in silico analysis. Since supporting evidence is limited at this time, the clinical significance of this alteration remains unclear.

NM_001048174.2(MUTYH):c.1125G>T (p.Glu375Asp)

Gene: MUTYH (mutY DNA glycosylase; minus strand). Cytogenetic location: 1p34.1.
Variant type: single nucleotide variant.
Coding change: c.1125G>T on transcript NM_001048174.2 (MANE Select); coding-DNA position 1125, G replaced by T.
Protein change: p.Glu375Asp; replaces glutamic acid 375 with aspartic acid.
Molecular consequence: missense variant. On other transcripts: non-coding transcript variant (2).
Genome position (GRCh38, 1-based): chr1:45,331,534, C>A on the plus strand (G>T on the coding strand, the complement: MUTYH is on the minus strand). VCF-style: chr1-45331534-C-A. GRCh37 (hg19) VCF-style: chr1-45797206-C-A.
Other names: c.1125G>T, p.Glu375Asp (NM_001048171.2, NM_001048173.2, NM_001293195.2); c.1128G>T, p.Glu376Asp (NM_001048172.2); c.1209G>T, p.Glu403Asp (NM_001128425.2); c.1170G>T, p.Glu390Asp (NM_001293190.2); c.1158G>T, p.Glu386Asp (NM_001293191.2); c.849G>T, p.Glu283Asp (NM_001293192.2, NM_001293196.2); c.780G>T, p.Glu260Asp (NM_001350650.2, NM_001350651.2); c.1200G>T, p.Glu400Asp (NM_012222.3); short protein forms E400D, E260D, E375D, E403D, E283D, E376D, E386D, E390D.
Identifiers: ClinVar variation 818576 (VCV000818576.10), dbSNP rs876660199, ClinGen allele CA340133116.